The following is an entry in ClinVar:

NM_006031.6(PCNT):c.6278A>G (p.Asp2093Gly)

Gene: PCNT (pericentrin; plus strand). Cytogenetic location: 21q22.3.
Variant type: single nucleotide variant.
Coding change: c.6278A>G on transcript NM_006031.6 (MANE Select); coding-DNA position 6278, A replaced by G.
Protein change: p.Asp2093Gly; replaces aspartic acid 2093 with glycine.
Molecular consequence: missense variant.
Genome position (GRCh38, 1-based): chr21:46,416,196, A>G. VCF-style: chr21-46416196-A-G. GRCh37 (hg19) VCF-style: chr21-47836110-A-G.
Other names: c.5924A>G, p.Asp1975Gly (NM_001315529.2); short protein forms D1975G, D2093G.
Identifiers: ClinVar variation 3031993 (VCV003031993.3), dbSNP rs769060337, ClinGen allele CA10080299.

ClinVar aggregate classification (germline): Uncertain significance (1 of 4 stars; one submission).

Conditions:
PCNT-related disorder. Also called: PCNT-related condition.

Allele frequency attached by ClinVar (database versions not stated): ExAC 0.00004; gnomAD 0.00005; gnomAD exomes 0.00005; TOPMed 0.00005.
gnomAD v4.1: 80 of 1,614,094 alleles (0.005%); highest among the groups gnomAD compares: Admixed American, 0.013%; no homozygotes.

Submission:

PreventionGenetics, part of Exact Sciences
Classification: Uncertain significance for PCNT-related condition. Last evaluated: 2026-06-18. Review status: criteria provided, single submitter. Criteria: ACMG Guidelines, 2015. Collection method: clinical testing. Allele origin: germline.
Comment: The PCNT c.6278A>G variant is predicted to result in the amino acid substitution p.Asp2093Gly. To our knowledge, this variant has not been reported in the literature. This variant is reported in 0.014% of alleles in individuals of Latino descent in gnomAD. At this time, the clinical significance of this variant is uncertain due to the absence of conclusive functional and genetic evidence.